The following is an entry in ClinVar:

ClinVar aggregate classification (germline): Uncertain significance. Review status: criteria provided, multiple submitters, no conflicts (2 of 4 stars). 3 submissions from 3 submitters: Uncertain significance (3). Last evaluated 2024-03-06.

Conditions:
Catecholaminergic polymorphic ventricular tachycardia 1. Also called: VENTRICULAR TACHYCARDIA, STRESS-INDUCED POLYMORPHIC 1; VENTRICULAR TACHYCARDIA, CATECHOLAMINERGIC POLYMORPHIC, 1, WITH OR WITHOUT ATRIAL DYSFUNCTION AND/OR DILATED CARDIOMYOPATHY; RYR2-Related Catecholaminergic Polymorphic Ventricular Tachycardia. Identifiers: Orphanet 3286, MedGen C1631597, MONDO:0011484, OMIM 604772.
Catecholaminergic polymorphic ventricular tachycardia (CVPT). Also called: Catecholamine-induced polymorphic ventricular tachycardia. Identifiers: Orphanet 3286, MedGen C5574922, MONDO:0017990.
Cardiomyopathy (CMYO). Also called: Cardiomyopathies. Identifiers: Orphanet 167848, MedGen C0878544, MONDO:0004994, HP:0001638. Inheritance: Various modes of inheritance.

Allele frequency attached by ClinVar (database versions not stated): gnomAD exomes below 0.00001 and 0.00001; ExAC 0.00002.
gnomAD v4.1: 12 of 1,613,612 alleles (0.00074%); highest among the groups gnomAD compares: Admixed American, 0.0017%; no homozygotes.

Submissions (3):

Color Diagnostics, LLC DBA Color Health
Classification: Uncertain significance for Cardiomyopathy. Last evaluated: 2024-03-06. Review status: criteria provided, single submitter. Criteria: ACMG Guidelines, 2015. Collection method: clinical testing. Allele origin: germline.
Comment: This missense variant replaces asparagine with serine at codon 427 of the RYR2 protein. Computational prediction is inconclusive regarding the impact of this variant on protein structure and function (internally defined REVEL score threshold 0.5 < inconclusive < 0.7, PMID: 27666373). To our knowledge, functional studies have not been reported for this variant. This variant has not been reported in individuals affected with cardiovascular disorders in the literature. This variant has been identified in 1/248992 chromosomes in the general population by the Genome Aggregation Database (gnomAD). The available evidence is insufficient to determine the role of this variant in disease conclusively. Therefore, this variant is classified as a Variant of Uncertain Significance.

All of Us Research Program, National Institutes of Health
Classification: Uncertain significance for Catecholaminergic polymorphic ventricular tachycardia. Last evaluated: 2024-02-22. Review status: criteria provided, single submitter. Criteria: ACMG Guidelines, 2015. Collection method: clinical testing. Allele origin: germline. Inheritance: Autosomal dominant inheritance. Observed: 1 variant allele, 1 heterozygote.
Comment: This missense variant replaces asparagine with serine at codon 427 of the RYR2 protein. Computational prediction is inconclusive regarding the impact of this variant on protein structure and function (internally defined REVEL score threshold 0.5 < inconclusive < 0.7, PMID: 27666373). To our knowledge, functional studies have not been reported for this variant. This variant has not been reported in individuals affected with cardiovascular disorders in the literature. This variant has been identified in 1/248992 chromosomes in the general population by the Genome Aggregation Database (gnomAD). The available evidence is insufficient to determine the role of this variant in disease conclusively. Therefore, this variant is classified as a Variant of Uncertain Significance.

This study involves interpretation of variants in research participants for the purpose of population health screening. Participant phenotype was not available at the time of variant classification. Additional details can be found in publication PMID: 35346344, PMCID: PMC8962531

Labcorp Genetics (formerly Invitae), Labcorp
Classification: Uncertain significance for Catecholaminergic polymorphic ventricular tachycardia 1. Last evaluated: 2022-07-12. Review status: criteria provided, single submitter. Criteria: Invitae Variant Classification Sherloc (09022015). Collection method: clinical testing. Allele origin: germline.
Comment: In summary, the available evidence is currently insufficient to determine the role of this variant in disease. Therefore, it has been classified as a Variant of Uncertain Significance. Algorithms developed to predict the effect of sequence changes on RNA splicing suggest that this variant may create or strengthen a splice site. Advanced modeling of protein sequence and biophysical properties (such as structural, functional, and spatial information, amino acid conservation, physicochemical variation, residue mobility, and thermodynamic stability) performed at Invitae indicates that this missense variant is not expected to disrupt RYR2 protein function. ClinVar contains an entry for this variant (Variation ID: 1171541). This variant has not been reported in the literature in individuals affected with RYR2-related conditions. This variant is present in population databases (rs753007912, gnomAD 0.003%). This sequence change replaces asparagine, which is neutral and polar, with serine, which is neutral and polar, at codon 427 of the RYR2 protein (p.Asn427Ser).

NM_001035.3(RYR2):c.1280A>G (p.Asn427Ser)

Gene: RYR2 (ryanodine receptor 2; plus strand). Cytogenetic location: 1q43.
Variant type: single nucleotide variant.
Coding change: c.1280A>G on transcript NM_001035.3 (MANE Select); coding-DNA position 1280, A replaced by G.
Protein change: p.Asn427Ser; replaces asparagine 427 with serine.
Molecular consequence: missense variant.
Genome position (GRCh38, 1-based): chr1:237,445,510, A>G. VCF-style: chr1-237445510-A-G. GRCh37 (hg19) VCF-style: chr1-237608810-A-G.
Other names: short protein forms N427S.
Identifiers: ClinVar variation 1171541 (VCV001171541.9), dbSNP rs753007912, ClinGen allele CA085240.